The following is an entry in ClinVar:

NM_001267550.2(TTN):c.24493C>A (p.Leu8165Ile)

Gene: TTN (titin; minus strand). Cytogenetic location: 2q31.2.
Variant type: single nucleotide variant.
Coding change: c.24493C>A on transcript NM_001267550.2 (MANE Select); coding-DNA position 24493, C replaced by A.
Protein change: p.Leu8165Ile; replaces leucine 8165 with isoleucine.
Molecular consequence: missense variant. On other transcripts: intron variant (3).
Genome position (GRCh38, 1-based): chr2:178,718,707, G>T on the plus strand (C>A on the coding strand, the complement: TTN is on the minus strand). VCF-style: chr2-178718707-G-T. GRCh37 (hg19) VCF-style: chr2-179583434-G-T.
Other names: c.23542C>A, p.Leu7848Ile (NM_001256850.1); c.20761C>A, p.Leu6921Ile (NM_133378.4); c.13282+19375C>A (NM_003319.4); c.13858+19375C>A (NM_133437.4); c.13657+19375C>A (NM_133432.3); short protein forms L8165I, L7848I, L6921I.
Identifiers: ClinVar variation 405170 (VCV000405170.4), dbSNP rs1060500582, ClinGen allele CA16610556.
Genomic context (GRCh38, chr2:178,718,707, plus strand): 5'-ACTTAAGAGAAATTTTAAAAGATGTATATATTGGGGGAAAGAGCAAACCTTTCACAAAAA[G>T]ATGTGTGGTACAGGAAGCACTGCCAGCATCATTTGTAACGAGGCAAGAATAGTCTCCACT-3'
Protein context (NP_001254479.2, residues 8155-8175): DAGSASCTTH[Leu8165Ile]FVKEPATFVK

ClinVar aggregate classification (germline): Uncertain significance. Review status: criteria provided, multiple submitters, no conflicts (2 of 4 stars). 2 submissions from 2 submitters: Uncertain significance (2). Last evaluated 2025-12-15.

Conditions:
TTN-related disorder. Also called: TTN-related disorders; TTN-related condition; TTN-related disease.
Autosomal recessive limb-girdle muscular dystrophy type 2J (LGMDR10). Also called: Limb-girdle muscular dystrophy, type 2J; MUSCULAR DYSTROPHY, LIMB-GIRDLE, AUTOSOMAL RECESSIVE 10. Identifiers: Orphanet 140922, MedGen C1837342, MONDO:0012127, OMIM 608807.
Dilated cardiomyopathy 1G (CMD1G). Identifiers: Orphanet 154, MedGen C1858763, MONDO:0011400, OMIM 604145.

Allele frequency attached by ClinVar (database versions not stated): TOPMed below 0.00001; gnomAD 0.00001.
gnomAD v4.1: 3 of 1,613,180 alleles (0.00019%); highest among the groups gnomAD compares: East Asian, 0.0022%; no homozygotes.

Submissions (2):

PreventionGenetics, part of Exact Sciences
Classification: Uncertain significance for TTN-related condition. Last evaluated: 2025-12-15. Review status: criteria provided, single submitter. Criteria: ACMG Guidelines, 2015. Collection method: clinical testing. Allele origin: germline.
Comment: The TTN c.24493C>A variant is predicted to result in the amino acid substitution p.Leu8165Ile. To our knowledge, this variant has not been reported in the literature or in a large population database (gnomAD), indicating this variant is rare. At this time, the clinical significance of this variant is uncertain due to the absence of conclusive functional and genetic evidence.

Labcorp Genetics (formerly Invitae), Labcorp
Classification: Uncertain significance for Dilated cardiomyopathy 1G; Autosomal recessive limb-girdle muscular dystrophy type 2J. Last evaluated: 2016-11-26. Review status: criteria provided, single submitter. Criteria: Invitae Variant Classification Sherloc (09022015). Collection method: clinical testing. Allele origin: germline.